The following is an entry in ClinVar:

NM_021942.6(TRAPPC11):c.1895A>G (p.Glu632Gly)

Gene: TRAPPC11 (trafficking protein particle complex subunit 11; plus strand). Cytogenetic location: 4q35.1.
Variant type: single nucleotide variant.
Coding change: c.1895A>G on transcript NM_021942.6 (MANE Select); coding-DNA position 1895, A replaced by G.
Protein change: p.Glu632Gly; replaces glutamic acid 632 with glycine.
Molecular consequence: missense variant.
Genome position (GRCh38, 1-based): chr4:183,691,317, A>G. VCF-style: chr4-183691317-A-G. GRCh37 (hg19) VCF-style: chr4-184612470-A-G.
Other names: c.1895A>G, p.Glu632Gly (NM_199053.3); c.1895A>G (NM_021942.4); short protein forms E632G.
Identifiers: ClinVar variation 662537 (VCV000662537.11), dbSNP rs1027270333, ClinGen allele CA111856891.

ClinVar aggregate classification (germline): Uncertain significance. Review status: criteria provided, multiple submitters, no conflicts (2 of 4 stars). 3 submissions from 3 submitters: Uncertain significance (3). Last evaluated 2025-09-21.

Conditions:
Inborn genetic diseases. Identifiers: MedGen C0950123, MeSH D030342.
Autosomal recessive limb-girdle muscular dystrophy type R18 (LGMDR18). Also called: Autosomal recessive limb-girdle muscular dystrophy type 2S; Limb-girdle muscular dystrophy, type 2S; MUSCULAR DYSTROPHY, LIMB-GIRDLE, AUTOSOMAL RECESSIVE 18. Identifiers: Orphanet 369840, MedGen C4517996, MONDO:0014144, OMIM 615356.

Allele frequency attached by ClinVar (database versions not stated): gnomAD 0.00001 and 0.00002; gnomAD exomes 0.00001 and 0.00002; TOPMed 0.00003.
gnomAD v4.1: 23 of 1,492,786 alleles (0.0015%); highest among the groups gnomAD compares: Non-Finnish European, 0.002%; no homozygotes.

Submissions (3):

Ambry Genetics
Classification: Uncertain significance for Inborn genetic diseases. Last evaluated: 2025-09-21. Review status: criteria provided, single submitter. Criteria: Ambry Variant Classification Scheme 2023. Collection method: clinical testing. Allele origin: germline.

GeneDx
Classification: Uncertain significance. Last evaluated: 2025-07-15. Review status: criteria provided, single submitter. Criteria: GeneDx Variant Classification Process June 2021. Collection method: clinical testing. Allele origin: germline. Affected: yes.
Comment: Not observed at significant frequency in large population cohorts (gnomAD); In silico analysis suggests that this missense variant does not alter protein structure/function; Has not been previously published as pathogenic or benign to our knowledge

Labcorp Genetics (formerly Invitae), Labcorp
Classification: Uncertain significance for Autosomal recessive limb-girdle muscular dystrophy type R18. Last evaluated: 2025-03-20. Review status: criteria provided, single submitter. Criteria: Invitae Variant Classification Sherloc (09022015). Collection method: clinical testing. Allele origin: germline.
Comment: This sequence change replaces glutamic acid, which is acidic and polar, with glycine, which is neutral and non-polar, at codon 632 of the TRAPPC11 protein (p.Glu632Gly). This variant is present in population databases (no rsID available, gnomAD 0.002%). This variant has not been reported in the literature in individuals affected with TRAPPC11-related conditions. ClinVar contains an entry for this variant (Variation ID: 662537). An algorithm developed to predict the effect of missense changes on protein structure and function (PolyPhen-2) suggests that this variant is likely to be tolerated. In summary, the available evidence is currently insufficient to determine the role of this variant in disease. Therefore, it has been classified as a Variant of Uncertain Significance.